The following is an entry in ClinVar:

NM_003107.3(SOX4):c.198C>A (p.Phe66Leu)

Gene: SOX4 (SRY-box transcription factor 4; plus strand). Cytogenetic location: 6p22.3.
Variant type: single nucleotide variant.
Coding change: c.198C>A on transcript NM_003107.3 (MANE Select); coding-DNA position 198, C replaced by A.
Protein change: p.Phe66Leu; replaces phenylalanine 66 with leucine.
Molecular consequence: missense variant.
Genome position (GRCh38, 1-based): chr6:21,594,732, C>A. VCF-style: chr6-21594732-C-A. GRCh37 (hg19) VCF-style: chr6-21594963-C-A.
Other names: short protein forms F66L.
Identifiers: ClinVar variation 548142 (VCV000548142.7), dbSNP rs1334099693, ClinGen allele CA363269640.

ClinVar aggregate classification (germline): Likely pathogenic. Review status: criteria provided, single submitter (1 of 4 stars). 3 submissions from 3 submitters: Likely pathogenic (1). 2 of the submissions do not count toward it. Last evaluated 2019-02-20.

Conditions:
Intellectual disability. Also called: Intellectual functioning disability; intellectual disabilities; Intellectual developmental disorder. Identifiers: MedGen C3714756, MeSH D008607, MONDO:0001071, HP:0001249.
Mild facial and digital morphological abnormalities.
Developmental delay. Also called: Delayed development. Identifiers: MedGen C0424605.
Mild intellectual disability. Identifiers: MedGen C0026106, HP:0001256.
Coffin-Siris syndrome 10. Also called: INTELLECTUAL DEVELOPMENTAL DISORDER WITH SPEECH DELAY AND DYSMORPHIC FACIES. Identifiers: MedGen C4760583, MONDO:0032791, OMIM 618506.

Submissions (3):

Medical Genetics Lab, Policlinico S. Orsola.Malpighi
Classification: Likely pathogenic. Last evaluated: 2019-02-20. Review status: criteria provided, single submitter. Criteria: ACMG Guidelines, 2015. Collection method: clinical testing. Allele origin: de novo. Inheritance: Sporadic. Affected: yes. Observed: 1 heterozygote.
Comment: The p.Phe66Leu variant is de novo, it is absent in population databases and it involves a higly conserved residue in the HMG box DNA-binding domain of the protein. Three further patients were identified with de novo missense variants affecting the HMG box DNA-binding domain of SOX4. Intellectual disability and similar facial dysmorphisms were present in all four. Functional assays demonstrated that SOX4 proteins carrying these four variants are unable to bind DNA in vitro and transactivate SOX reporter genes in cultured cells.

OMIM
Classification: Pathogenic for INTELLECTUAL DEVELOPMENTAL DISORDER WITH SPEECH DELAY AND DYSMORPHIC FACIES. Last evaluated: 2025-04-25. Review status: no assertion criteria provided. Collection method: literature only. Allele origin: germline. Not counted in ClinVar's aggregate classification.

University of Washington Center for Mendelian Genomics, University of Washington
Classification: Likely pathogenic for Developmental delay; Intellectual disability; Mild facial and digital morphological abnormalities. Review status: no assertion criteria provided. Collection method: research. Allele origin: de novo. Affected: yes. Not counted in ClinVar's aggregate classification.

Literature cited by the submitters: PubMed 30661772 (cited by Medical Genetics Lab, Policlinico S. Orsola.Malpighi and University of Washington Center for Mendelian Genomics, University of Washington); Zawerton, A., Yao, B., Yeager, J. P., Pippucci, T., Haseeb, A., Smith, J. D., Wischmann, L., Kuhl, S. J., Dean, J. C. S., Pilz, D. T., Holder, S. E., Deciphering Developmental Disorders Study, University of Washington Center for Mendelian Genomics, McNeill, A., Graziano, C., Lefebvre, V. De novo SOX4 variants cause a neurodevelopmental disease associated with mild dysmorphism. Am. J. Hum. Genet. 104: 246-259, 2019. Note: Erratum: Am. J. Hum. Genet. 104: 777 only, 2019. (cited by OMIM).